The following is an entry in ClinVar:

ClinVar aggregate classification (germline): Uncertain significance (1 of 4 stars; one submission).

gnomAD v4.1: 10 of 1,614,116 alleles (0.00062%); highest among the groups gnomAD compares: Non-Finnish European, 0.00059%; no homozygotes.

Submission:

Ambry Genetics
Classification: Uncertain significance. Last evaluated: 2024-12-02. Review status: criteria provided, single submitter. Criteria: Ambry Variant Classification Scheme 2023. Collection method: clinical testing. Allele origin: germline.
Comment: The p.Q659E variant (also known as c.1975C>G), located in coding exon 1 of the TET2 gene, results from a C to G substitution at nucleotide position 1975. The glutamine at codon 659 is replaced by glutamic acid, an amino acid with highly similar properties. This amino acid position is conserved. In addition, this alteration is predicted to be tolerated by in silico analysis. Based on the available evidence, the clinical significance of this variant remains unclear.

NM_001127208.3(TET2):c.1975C>G (p.Gln659Glu)

Genes: TET2 (tet methylcytosine dioxygenase 2; plus strand), TET2-AS1 (TET2 antisense RNA 1; minus strand). Cytogenetic location: 4q24.
Variant type: single nucleotide variant.
Coding change: c.1975C>G on transcript NM_001127208.3 (MANE Select); coding-DNA position 1975, C replaced by G.
Protein change: p.Gln659Glu; replaces glutamine 659 with glutamic acid.
Molecular consequence: missense variant.
Genome position (GRCh38, 1-based): chr4:105,235,917, C>G. VCF-style: chr4-105235917-C-G. GRCh37 (hg19) VCF-style: chr4-106157074-C-G.
Other names: c.1975C>G, p.Gln659Glu (NM_017628.4); short protein forms Q659E.
Identifiers: ClinVar variation 3455281 (VCV003455281.1).